The following is an entry in ClinVar:

NM_006030.4(CACNA2D2):c.2740_2750del (p.Asn914fs)

Genes: CACNA2D2 (calcium voltage-gated channel auxiliary subunit alpha2delta 2; minus strand), LOC127898564 (CYB561D2-LOC101928965; plus strand), LOC101928965 (uncharacterized LOC101928965; plus strand). Cytogenetic location: 3p21.31.
Variant type: Deletion.
Coding change: c.2740_2750del on transcript NM_006030.4 (MANE Select); coding-DNA positions 2740 to 2750, 11 bases deleted (AACCTGATGCT).
Protein change: p.Asn914fs; shifts the reading frame from asparagine 914.
Molecular consequence: frameshift variant. On other transcripts: non-coding transcript variant (1).
Genome position (GRCh38, 1-based): chr3:50,366,123-50,366,133, AGCATCAGGTT deleted on the plus strand (AACCTGATGCT on the coding strand, the reverse complement: CACNA2D2 is on the minus strand). VCF-style (leftmost placement, unchanged base first): chr3-50366122-CAGCATCAGGTT-C. GRCh37 (hg19) VCF-style: chr3-50403553-CAGCATCAGGTT-C.
Other names: c.2533_2543del, p.Asn845fs (NM_001291101.1); c.2743_2753del, p.Asn915fs (NM_001410768.1); c.2740_2750del, p.Asn914fs (NM_001005505.3); c.2761_2771del, p.Asn921fs (NM_001174051.3); short protein forms N915fs, N845fs, N914fs, N921fs.
Identifiers: ClinVar variation 3653306 (VCV003653306.2).

ClinVar aggregate classification (germline): Pathogenic (1 of 4 stars; one submission).

Conditions:
Early-infantile DEE. Also called: Ohtahara syndrome; Early infantile epileptic encephalopathy; Early infantile epileptic encephalopathy with suppression bursts. Identifiers: Orphanet 1934, MedGen C0393706, MONDO:0800491.

Submission:

Labcorp Genetics (formerly Invitae), Labcorp
Classification: Pathogenic for Early-infantile DEE. Last evaluated: 2024-06-03. Review status: criteria provided, single submitter. Criteria: Invitae Variant Classification Sherloc (09022015). Collection method: clinical testing. Allele origin: germline.
Comment: This sequence change creates a premature translational stop signal (p.Asn914Glyfs*5) in the CACNA2D2 gene. It is expected to result in an absent or disrupted protein product. Loss-of-function variants in CACNA2D2 are known to be pathogenic (PMID: 24358150). This variant is not present in population databases (gnomAD no frequency). This variant has not been reported in the literature in individuals affected with CACNA2D2-related conditions. For these reasons, this variant has been classified as Pathogenic.

Literature cited by the submitters: PubMed 24358150.